The following is an entry in ClinVar:

ClinVar aggregate classification (germline): Likely pathogenic. Review status: reviewed by expert panel (3 of 4 stars). 10 submissions from 10 submitters: Likely pathogenic (1). 9 of the submissions do not count toward it. Last evaluated 2026-11-19.

Conditions:
Hereditary breast ovarian cancer syndrome. Also called: Hereditary breast and ovarian cancer syndrome; Breast and ovarian cancer; BRCA1- and BRCA2-Associated Hereditary Breast and Ovarian Cancer; Hereditary breast and ovarian cancer; Hereditary breast and ovarian cancer syndrome (HBOC); Hereditary breast and/or ovarian cancer syndrome. Identifiers: Orphanet 145, MedGen C0677776, MeSH D061325, MONDO:0003582. Disease mechanism: loss of function.
Breast-ovarian cancer, familial, susceptibility to, 2 (BROVCA2). Also called: BRCA2 Hereditary Breast and Ovarian Cancer. Identifiers: Orphanet 145, MedGen C2675520, MONDO:0012933, OMIM 612555. Disease mechanism: loss of function.
Inherited breast cancer and ovarian cancer.
BRCA2-related cancer predisposition. Identifiers: MedGen CN377758, MONDO:0700269.
Hereditary cancer-predisposing syndrome. Also called: Hereditary Cancer Syndrome; Tumor predisposition; Neoplastic Syndromes, Hereditary; Hereditary neoplastic syndrome. Identifiers: Orphanet 140162, MedGen C0027672, MeSH D009386, MONDO:0015356.

Submissions (10):

ClinGen ENIGMA BRCA1 and BRCA2 Variant Curation Expert Panel, ClinGen
Classification: Likely pathogenic for BRCA2-related cancer predisposition. Last evaluated: 2026-11-19. Review status: reviewed by expert panel. Criteria: CSpec BRCA1/2ACMG Rules Specifications V1.2. Collection method: curation. Allele origin: germline. Inheritance: Autosomal dominant inheritance.
Comment: The c.475+3A>G variant is an intronic variant occurring in intron 5 of the BRCA2 gene. This variant is absent from gnomAD v4.1 (read depth ≥25x in >90% samples, PM2_Supporting met). This variant is reported to result in aberrant mRNA splicing. RT-PCR and RNAseq demonstrated that the variant impacts splicing by out-of-frame exon 5 skipping, using a quantitative assessment with sequence analysis (PMIDs: 28905878, 29750258). The VCEP estimates less than 10% full-length transcript is produced by the variant allele. Appropriate code strength determined by comparison of results to PVS1 decision tree and Rubric of weighing mRNA data (Appendix Table 9): PVS1 (RNA). In summary, this variant meets the criteria to be classified as a Likely pathogenic variant for BRCA2-related cancer predisposition based on the ACMG/AMP criteria applied as specified by the ENIGMA BRCA1/2 VCEP (v1.2) (PM2_Supporting, PVS1 (RNA)).

Genetics Laboratory, Great Ormond Street Hospital NHS Foundation Trust, North Thames Genomic Laboratory Hub
Classification: Likely pathogenic for Inherited breast cancer and ovarian cancer. Last evaluated: 2026-05-29. Review status: criteria provided, single submitter. Criteria: CanVIG BRCA Gene Specific V1.22. Collection method: clinical testing. Allele origin: germline. Affected: yes. Not counted in ClinVar's aggregate classification.
Comment: PM2_supporting, PVS1_very-strong

Labcorp Genetics (formerly Invitae), Labcorp
Classification: Pathogenic for Hereditary breast ovarian cancer syndrome. Last evaluated: 2025-11-15. Review status: criteria provided, single submitter. Criteria: Invitae Variant Classification Sherloc (09022015). Collection method: clinical testing. Allele origin: germline. Not counted in ClinVar's aggregate classification.
Comment: This sequence change falls in intron 5 of the BRCA2 gene. It does not directly change the encoded amino acid sequence of the BRCA2 protein. RNA analysis indicates that this variant induces altered splicing and may result in an absent or altered protein product. This variant is not present in population databases (gnomAD no frequency). This variant has been observed in individual(s) with BRCA2-related conditions (PMID: 9971877, 24156927). ClinVar contains an entry for this variant (Variation ID: 51710). Variants that disrupt the consensus splice site are a relatively common cause of aberrant splicing (PMID: 17576681, 9536098). Studies have shown that this variant alters mRNA splicing and is expected to lead to the loss of protein expression (PMID: 9971877, 28905878, 30883759; internal data). For these reasons, this variant has been classified as Pathogenic.

Ambry Genetics
Classification: Likely pathogenic for Hereditary cancer-predisposing syndrome. Last evaluated: 2025-10-08. Review status: criteria provided, single submitter. Criteria: Ambry Variant Classification Scheme 2023. Collection method: clinical testing. Allele origin: germline. Not counted in ClinVar's aggregate classification.
Comment: The c.475+3A>G intronic variant results from an A to G substitution 3 nucleotides after coding exon 4 in the BRCA2 gene. This alteration was identified in a large, worldwide study of BRCA1/2 mutation positive families (Rebbeck TR et al. Hum Mutat, 2018 May;39:593-620), and was also reported in another cohort of individuals with a personal or family history of breast and/or ovarian cancer (Tea MK et al. Maturitas, 2014 Jan;77:68-72). This nucleotide position is well conserved in available vertebrate species. In silico splice site analysis predicts that this alteration will weaken the native splice donor site. RNA studies have demonstrated that this alteration results in abnormal splicing in the set of samples tested (Wagner TM et al. Hum Mol Genet, 1999 Mar;8:413-23; Davy G et al. Eur J Hum Genet, 2017 Oct;25:1147-1154; Ambry internal data). This variant is considered to be rare based on population cohorts in the Genome Aggregation Database (gnomAD). Based on the majority of available evidence to date, this variant is likely to be pathogenic.

Myriad Genetics, Inc.
Classification: Likely pathogenic for Breast-ovarian cancer, familial, susceptibility to, 2. Last evaluated: 2025-06-27. Review status: criteria provided, single submitter. Criteria: Myriad Autosomal Dominant, Autosomal Recessive and X-Linked Classification Criteria (2023). Collection method: clinical testing. Allele origin: unknown. Not counted in ClinVar's aggregate classification.
Comment: This variant is considered likely pathogenic. mRNA analysis has demonstrated abnormal mRNA splicing occurs [Myriad internal data; PMID: 28905878, 9971877].

Color Diagnostics, LLC DBA Color Health
Classification: Likely pathogenic for Hereditary cancer-predisposing syndrome. Last evaluated: 2020-02-04. Review status: criteria provided, single submitter. Criteria: ACMG Guidelines, 2015. Collection method: clinical testing. Allele origin: germline. Not counted in ClinVar's aggregate classification.
Comment: This variant causes an A to G nucleotide substitution at the +3 position of intron 5 in the BRCA2 gene. Analysis of carrier RNA found the skipping of exon 5 that is predicted to create a premature translation termination and is expected to produce an absent or non-functional protein product (PMID: 9971877, 28905878). This variant has been observed in at least three individuals affected with breast cancer (Color Internal database and an external clinical laboratory) and an individual affected with breast and/or ovarian cancer (PMID: 28905878, Universal Mutation Database). This variant also has been reported in a family affected with three cases of breast cancer and one member with breast and ovarian cancer (PMID: 9971877, 24156927). This variant has not been identified in the general population by the Genome Aggregation Database (gnomAD). Loss of BRCA2 function is a known mechanism of disease. Based on the available evidence, this variant is classified as Likely Pathogenic.

GeneDx
Classification: Uncertain significance. Last evaluated: 2020-01-27. Review status: criteria provided, single submitter. Criteria: GeneDx Variant Classification Process June 2021. Collection method: clinical testing. Allele origin: germline. Affected: yes. Not counted in ClinVar's aggregate classification.
Comment: Not observed in large population cohorts (Lek et al., 2016); In-silico analysis, which includes splice predictors and evolutionary conservation, is inconclusive as to whether the variant alters gene splicing. In the absence of RNA/functional studies, the actual effect of this sequence change is unknown.; This variant is associated with the following publications: (PMID: 25525159, 24156927, 9971877, 22984553, 28905878)

Consortium of Investigators of Modifiers of BRCA1/2 (CIMBA), c/o University of Cambridge
Classification: Pathogenic for Breast-ovarian cancer, familial, susceptibility to, 2. Last evaluated: 2015-10-02. Review status: criteria provided, single submitter. Criteria: CIMBA Mutation Classification guidelines May 2016. Collection method: clinical testing. Allele origin: germline. Not counted in ClinVar's aggregate classification.

Molecular Endocrinology Laboratory, Christian Medical College
Classification: Uncertain significance for Breast-ovarian cancer, familial, susceptibility to, 2. Review status: criteria provided, single submitter. Criteria: ACMG Guidelines, 2015. Collection method: clinical testing. Allele origin: germline. Affected: yes. Not counted in ClinVar's aggregate classification.

Laboratoire de Biologie et Génétique du Cancer, Centre François Baclesse
Classification: Pathogenic for Breast-ovarian cancer, familial, susceptibility to, 2. Review status: no assertion criteria provided. Collection method: clinical testing. Allele origin: germline. Inheritance: Autosomal dominant inheritance. Affected: yes. Not counted in ClinVar's aggregate classification.

Literature cited by the submitters: PubMed 9971877 (cited by 4 submitters); PubMed 24156927 (cited by Labcorp Genetics (formerly Invitae), Labcorp and Ambry Genetics); PubMed 17576681 (cited by Labcorp Genetics (formerly Invitae), Labcorp); PubMed 9536098 (cited by Labcorp Genetics (formerly Invitae), Labcorp); PubMed 28905878 (cited by 3 submitters); PubMed 30883759 (cited by Labcorp Genetics (formerly Invitae), Labcorp); PubMed 29446198 (cited by Ambry Genetics).

NM_000059.4(BRCA2):c.475+3A>G

Gene: BRCA2 (BRCA2 DNA repair associated; plus strand). Cytogenetic location: 13q13.1.
Variant type: single nucleotide variant.
Coding change: c.475+3A>G on transcript NM_000059.4 (MANE Select); 3 bases into the intron after coding-DNA position 475, A replaced by G.
Molecular consequence: intron variant.
Genome position (GRCh38, 1-based): chr13:32,326,153, A>G. VCF-style: chr13-32326153-A-G. GRCh37 (hg19) VCF-style: chr13-32900290-A-G.
Identifiers: ClinVar variation 51710 (VCV000051710.28), dbSNP rs81002795, ClinGen allele CA020761.